The following is an entry in ClinVar:

ClinVar aggregate classification (germline): Pathogenic (1 of 4 stars; one submission).

Submission:

CeGaT Center for Human Genetics Tuebingen
Classification: Pathogenic. Last evaluated: 2025-04-01. Review status: criteria provided, single submitter. Criteria: CeGaT Center For Human Genetics Tuebingen Variant Classification Criteria Version 2. Collection method: clinical testing. Allele origin: germline. Affected: yes. Observed: 2 variant alleles.
Comment: LYST: PVS1, PM2

NM_000081.4(LYST):c.5030_5031delinsTTA (p.Lys1677fs)

Gene: LYST (lysosomal trafficking regulator; minus strand). Cytogenetic location: 1q42.3.
Variant type: Indel.
Coding change: c.5030_5031delinsTTA on transcript NM_000081.4 (MANE Select); coding-DNA positions 5030 to 5031, AG replaced by TTA.
Protein change: p.Lys1677fs; shifts the reading frame from lysine 1677.
Molecular consequence: frameshift variant.
Genome position (GRCh38, 1-based): chr1:235,781,048-235,781,049, CT replaced by TAA on the plus strand (AG replaced by TTA on the coding strand, the reverse complement: LYST is on the minus strand). VCF-style: chr1-235781048-CT-TAA. GRCh37 (hg19) VCF-style: chr1-235944348-CT-TAA.
Other names: c.5030_5031delinsTTA, p.Lys1677fs (NM_001301365.1); short protein forms K1677fs.
Identifiers: ClinVar variation 3898743 (VCV003898743.7).